The following is an entry in ClinVar:

ClinVar aggregate classification (germline): Uncertain significance (1 of 4 stars; one submission).

Allele frequency attached by ClinVar (database versions not stated): TOPMed below 0.00001; gnomAD 0.00001; gnomAD exomes 0.00001.
gnomAD v4.1: 18 of 1,612,178 alleles (0.0011%); highest among the groups gnomAD compares: African/African-American, 0.0013%; no homozygotes.

Submission:

Labcorp Genetics (formerly Invitae), Labcorp
Classification: Uncertain significance. Last evaluated: 2022-06-24. Review status: criteria provided, single submitter. Criteria: Invitae Variant Classification Sherloc (09022015). Collection method: clinical testing. Allele origin: germline.
Comment: Algorithms developed to predict the effect of missense changes on protein structure and function (SIFT, PolyPhen-2, Align-GVGD) all suggest that this variant is likely to be disruptive. This variant has not been reported in the literature in individuals affected with ZNF341-related conditions. This variant is not present in population databases (gnomAD no frequency). This sequence change replaces glycine, which is neutral and non-polar, with arginine, which is basic and polar, at codon 56 of the ZNF341 protein (p.Gly56Arg). In summary, the available evidence is currently insufficient to determine the role of this variant in disease. Therefore, it has been classified as a Variant of Uncertain Significance. Algorithms developed to predict the effect of sequence changes on RNA splicing suggest that this variant may disrupt the consensus splice site.

NM_001282933.2(ZNF341):c.166G>A (p.Gly56Arg)

Gene: ZNF341 (zinc finger protein 341; plus strand). Cytogenetic location: 20q11.22.
Variant type: single nucleotide variant.
Coding change: c.166G>A on transcript NM_001282933.2 (MANE Select); coding-DNA position 166, G replaced by A.
Protein change: p.Gly56Arg; replaces glycine 56 with arginine.
Molecular consequence: missense variant. On other transcripts: non-coding transcript variant (1), intron variant (1).
Genome position (GRCh38, 1-based): chr20:33,745,126, G>A. VCF-style: chr20-33745126-G-A. GRCh37 (hg19) VCF-style: chr20-32332932-G-A.
Other names: c.166G>A, p.Gly56Arg (NM_032819.5); c.70-3797G>A (NM_001282935.2); short protein forms G56R.
Identifiers: ClinVar variation 1899318 (VCV001899318.5), dbSNP rs1237868422, ClinGen allele CA408644572.